The following is an entry in ClinVar:

NM_001029896.2(WDR45):c.408dup (p.Glu137Ter)

Gene: WDR45 (WD repeat domain 45; minus strand). Cytogenetic location: Xp11.23.
Variant type: Duplication.
Coding change: c.408dup on transcript NM_001029896.2 (MANE Select); coding-DNA position 408, one base duplicated (T; older notation c.408dupT).
Protein change: p.Glu137Ter; replaces glutamic acid 137 with a stop codon.
Molecular consequence: nonsense.
Genome position (GRCh38, 1-based): chrX:49,076,458, A duplicated on the plus strand (T on the coding strand, the reverse complement: WDR45 is on the minus strand); the first of 3 consecutive A bases (chrX:49,076,458-49,076,460); duplicating any one gives the same sequence. VCF-style (leftmost placement, unchanged base first): chrX-49076457-C-CA. GRCh37 (hg19) VCF-style: chrX-48934116-C-CA.
Other names: c.411dup, p.Glu138Ter (NM_007075.4); c.411dupT (NM_007075.3); short protein forms E137*, E138*.
Identifiers: ClinVar variation 540345 (VCV000540345.13), dbSNP rs1557084239, ClinGen allele CA658799736.

ClinVar aggregate classification (germline): Pathogenic. Review status: criteria provided, multiple submitters, no conflicts (2 of 4 stars). 4 submissions from 4 submitters: Pathogenic (4). Last evaluated 2024-12-05.

Conditions:
WDR45-related disorder. Also called: WDR45-related condition.
Inborn genetic diseases. Identifiers: MedGen C0950123, MeSH D030342.
Neurodegeneration with brain iron accumulation 5 (NBIA5). Also called: STATIC ENCEPHALOPATHY OF CHILDHOOD WITH NEURODEGENERATION IN ADULTHOOD; Beta-propeller protein-associated neurodegeneration. Identifiers: Orphanet 329284, MedGen C3550973, MONDO:0010476, OMIM 300894.

Submissions (4):

3billion
Classification: Pathogenic for Neurodegeneration with brain iron accumulation 5. Last evaluated: 2024-12-05. Review status: criteria provided, single submitter. Criteria: ACMG Guidelines, 2015. Collection method: clinical testing. Allele origin: germline. Affected: yes.
Comment: The variant is not observed in the gnomAD v4.1.0 dataset. Predicted Consequence/Location: Stop-gained (nonsense): predicted to result in a loss or disruption of normal protein function through nonsense-mediated decay (NMD) or protein truncation. Multiple pathogenic variants are reported downstream of the variant. The variant has been previously reported as de novo in a similarly affected individual (PMID: 30455156). The variant has been reported at least twice as pathogenic without evidence for the classification (ClinVar ID: VCV000540345 /PMID: 30455156). Therefore, this variant is classified as Pathogenic according to the recommendation of ACMG/AMP guideline.

Blueprint Genetics
Classification: Pathogenic for WDR45-related disorders. Last evaluated: 2024-11-07. Review status: criteria provided, single submitter. Criteria: ACMG Guidelines, 2015. Collection method: clinical testing. Allele origin: germline. Affected: yes. Observed: 1 variant allele.

Labcorp Genetics (formerly Invitae), Labcorp
Classification: Pathogenic for Neurodegeneration with brain iron accumulation 5. Last evaluated: 2024-04-02. Review status: criteria provided, single submitter. Criteria: Invitae Variant Classification Sherloc (09022015). Collection method: clinical testing. Allele origin: germline.
Comment: This sequence change creates a premature translational stop signal (p.Glu138*) in the WDR45 gene. It is expected to result in an absent or disrupted protein product. Loss-of-function variants in WDR45 are known to be pathogenic (PMID: 23176820, 24368176, 24621584, 25744623, 26790960, 27030146, 27652284, 28554332). This variant is not present in population databases (gnomAD no frequency). This premature translational stop signal has been observed in individual(s) with beta-propeller protein-associated neurodegeneration (PMID: 32307390). ClinVar contains an entry for this variant (Variation ID: 540345). For these reasons, this variant has been classified as Pathogenic.

Ambry Genetics
Classification: Pathogenic for Inborn genetic diseases. Last evaluated: 2016-05-19. Review status: criteria provided, single submitter. Criteria: Ambry Variant Classification Scheme 2023. Collection method: clinical testing. Allele origin: germline.
Comment: The c.411dupT pathogenic mutation (also known as p.E138*), located in coding exon 5 of the WDR45 gene, results from a duplication of T at nucleotide position 411. This changes the amino acid from a glutamate to a stop codon within coding exon 5. Since premature stop codons are typically deleterious in nature, this alteration is interpreted as a disease-causing mutation (ACMG Recommendations for Standards for Interpretation and Reporting of Sequence Variations. Revision 2007. Genet Med. 2008;10:294).

Literature cited by the submitters: PubMed 30455156 (cited by 3billion); PubMed 23176820 (cited by Labcorp Genetics (formerly Invitae), Labcorp); PubMed 24368176 (cited by Labcorp Genetics (formerly Invitae), Labcorp); PubMed 24621584 (cited by Labcorp Genetics (formerly Invitae), Labcorp); PubMed 25744623 (cited by Labcorp Genetics (formerly Invitae), Labcorp); PubMed 26790960 (cited by Labcorp Genetics (formerly Invitae), Labcorp); PubMed 27030146 (cited by Labcorp Genetics (formerly Invitae), Labcorp); PubMed 27652284 (cited by Labcorp Genetics (formerly Invitae), Labcorp); PubMed 28554332 (cited by Labcorp Genetics (formerly Invitae), Labcorp); PubMed 32307390 (cited by Labcorp Genetics (formerly Invitae), Labcorp).